The following is an entry in ClinVar:

Conditions:
Breast-ovarian cancer, familial, susceptibility to, 1 (BROVCA1). Also called: BRCA1 Hereditary Breast and Ovarian Cancer; OVARIAN CANCER, SUSCEPTIBILITY TO. Identifiers: Orphanet 145, MedGen C2676676, MONDO:0011450, OMIM 604370. Disease mechanism: loss of function.

Submission:

Brotman Baty Institute, University of Washington
No classification provided (evidence only). Condition: Breast-ovarian cancer, familial 1. Review status: no classification provided. Collection method: in vitro. Allele origin: not applicable. Functional consequence: functionally_abnormal.
ClinVar note: "not provided" was previously submitted as the classification for the variant. However, the classification appeared to be based only on an observation of functional data so it was converted to no classification on 2025-07-30.

NM_007294.4(BRCA1):c.5332+3A>T

Gene: BRCA1 (BRCA1 DNA repair associated; minus strand). Cytogenetic location: 17q21.31.
Variant type: single nucleotide variant.
Coding change: c.5332+3A>T on transcript NM_007294.4 (MANE Select); 3 bases into the intron after coding-DNA position 5332, A replaced by T.
Molecular consequence: intron variant.
Genome position (GRCh38, 1-based): chr17:43,051,060, T>A on the plus strand (A>T on the coding strand, the complement: BRCA1 is on the minus strand). VCF-style: chr17-43051060-T-A. GRCh37 (hg19) VCF-style: chr17-41203077-T-A.
Other names: c.2014+3A>T (NM_001408406.1, NM_001408408.1, NM_001408407.1); c.5326+3A>T (NM_001407641.1, NM_001407629.1, NM_001407636.1 and 14 more transcripts); c.5329+3A>T (NM_001407624.1, NM_001407858.1, NM_001407616.1 and 17 more transcripts); c.5395+3A>T (NM_007300.4, NM_001407583.1, NM_001407587.1 and 1 more transcripts); c.5398+3A>T (NM_001407581.1, NM_001407582.1); c.4825+3A>T (NM_001407965.1); c.5065+3A>T (NM_001407930.1, NM_001407933.1, NM_001407927.1 and 4 more transcripts); c.5185+3A>T (NM_001407843.1, NM_001407847.1, NM_001407841.1 and 12 more transcripts); and 74 more.
Identifiers: ClinVar variation 865317 (VCV000865317.3), dbSNP rs766614917, ClinGen allele CA916081025.